The following is an entry in ClinVar:

ClinVar aggregate classification (germline): Uncertain significance (1 of 4 stars; one submission).

Allele frequency attached by ClinVar (database versions not stated): gnomAD exomes below 0.00001 and 0.00001; ExAC 0.00001.

Submission:

Labcorp Genetics (formerly Invitae), Labcorp
Classification: Uncertain significance. Last evaluated: 2021-11-14. Review status: criteria provided, single submitter. Criteria: Invitae Variant Classification Sherloc (09022015). Collection method: clinical testing. Allele origin: germline.
Comment: In summary, the available evidence is currently insufficient to determine the role of this variant in disease. Therefore, it has been classified as a Variant of Uncertain Significance. Algorithms developed to predict the effect of missense changes on protein structure and function output the following: SIFT: "Tolerated"; PolyPhen-2: "Benign"; Align-GVGD: "Class C0". The threonine amino acid residue is found in multiple mammalian species, which suggests that this missense change does not adversely affect protein function. This variant has not been reported in the literature in individuals affected with LTBP2-related conditions. The frequency data for this variant in the population databases is considered unreliable, as metrics indicate poor data quality at this position in the gnomAD database. This sequence change replaces alanine, which is neutral and non-polar, with threonine, which is neutral and polar, at codon 133 of the LTBP2 protein (p.Ala133Thr).

NM_000428.3(LTBP2):c.397G>A (p.Ala133Thr)

Gene: LTBP2 (latent transforming growth factor beta binding protein 2; minus strand). Cytogenetic location: 14q24.3.
Variant type: single nucleotide variant.
Coding change: c.397G>A on transcript NM_000428.3 (MANE Select); coding-DNA position 397, G replaced by A.
Protein change: p.Ala133Thr; replaces alanine 133 with threonine.
Molecular consequence: missense variant.
Genome position (GRCh38, 1-based): chr14:74,611,548, C>T on the plus strand (G>A on the coding strand, the complement: LTBP2 is on the minus strand). VCF-style: chr14-74611548-C-T. GRCh37 (hg19) VCF-style: chr14-75078251-C-T.
Other names: short protein forms A133T.
Identifiers: ClinVar variation 1351687 (VCV001351687.6), dbSNP rs757116841, ClinGen allele CA7270214.
Genomic context (GRCh38, chr14:74,611,548, plus strand): 5'-CCCCAGACCGCTGTGGGGTCCCCAGGCGTGGGAGAGCCGGCGCGGCCCGGGTCCGGGGTG[C>T]TGGTTGCTGCTGGCCCAGGGGAGTGCTTCTCCGGGTCTGCGCAGGTGGCTGGACACGCCG-3'
Protein context (NP_000419.1, residues 123-143): RSTPLGQQQP[Ala133Thr]PRTRAAPALP